The following is an entry in ClinVar:

ClinVar aggregate classification (germline): Likely pathogenic (1 of 4 stars; one submission).

Conditions:
Regional enteritis. Also called: Enteritis, Granulomatous. Identifiers: MedGen C0678202, MeSH D003424.

Submission:

Aleixo Muise Laboratory, Hospital For Sick Children
Classification: Likely pathogenic for Regional enteritis. Last evaluated: 2025-06-05. Review status: criteria provided, single submitter. Criteria: ACMG Guidelines, 2015. Collection method: research, in vitro. Allele origin: biparental, not applicable. Inheritance: Autosomal recessive inheritance. Affected: yes. Observed: 2 homozygotes. Functional consequence: loss_of_function_variant.
Comment: PP1, PVS1, PM2 - Based on data from gnomAD v4

NM_001165.5(BIRC3):c.1566T>A (p.Tyr522Ter)

Gene: BIRC3 (baculoviral IAP repeat containing 3; plus strand). Cytogenetic location: 11q22.2.
Variant type: single nucleotide variant.
Coding change: c.1566T>A on transcript NM_001165.5 (MANE Select); coding-DNA position 1566, T replaced by A.
Protein change: p.Tyr522Ter; replaces tyrosine 522 with a stop codon.
Molecular consequence: nonsense.
Genome position (GRCh38, 1-based): chr11:102,336,207, T>A. VCF-style: chr11-102336207-T-A. GRCh37 (hg19) VCF-style: chr11-102206938-T-A.
Other names: c.1566T>A, p.Tyr522Ter (NM_182962.3); short protein forms Y522*.
Identifiers: ClinVar variation 3906847 (VCV003906847.1).
Genomic context (GRCh38, chr11:102,336,207, plus strand): 5'-AGGAAATATTGCAGCCACTGTATTCAGAAACTCTCTGCAAGAAGCTGAAGCTGTGTTATA[T>A]GAGCATTTATTTGGTGAGTGATAGAAAATTATTTTTAAAAATTTTCTAAGTCAATTGAAA-3'